The following is an entry in ClinVar:

ClinVar aggregate classification (germline): Uncertain significance (1 of 4 stars; one submission).

Conditions:
Cardiovascular phenotype. Identifiers: MedGen CN230736.

gnomAD v4.1: 1 of 1,613,804 alleles (0.000062%); highest among the groups gnomAD compares: African/African-American, 0.0013%; no homozygotes.

Submission:

Ambry Genetics
Classification: Uncertain significance for Cardiovascular phenotype. Last evaluated: 2021-09-07. Review status: criteria provided, single submitter. Criteria: Ambry Variant Classification Scheme 2023. Collection method: clinical testing. Allele origin: germline.
Comment: The p.T196K variant (also known as c.587C>A), located in coding exon 7 of the TXNRD2 gene, results from a C to A substitution at nucleotide position 587. The threonine at codon 196 is replaced by lysine, an amino acid with similar properties. This amino acid position is conserved. In addition, this alteration is predicted to be tolerated by in silico analysis. Since supporting evidence is limited at this time, the clinical significance of this alteration remains unclear.

NM_006440.5(TXNRD2):c.587C>A (p.Thr196Lys)

Gene: TXNRD2 (thioredoxin reductase 2; minus strand). Cytogenetic location: 22q11.21.
Variant type: single nucleotide variant.
Coding change: c.587C>A on transcript NM_006440.5 (MANE Select); coding-DNA position 587, C replaced by A.
Protein change: p.Thr196Lys; replaces threonine 196 with lysine.
Molecular consequence: missense variant. On other transcripts: non-coding transcript variant (1).
Genome position (GRCh38, 1-based): chr22:19,915,218, G>T on the plus strand (C>A on the coding strand, the complement: TXNRD2 is on the minus strand). VCF-style: chr22-19915218-G-T. GRCh37 (hg19) VCF-style: chr22-19902741-G-T.
Other names: c.587C>A, p.Thr196Lys (NM_001282512.3); c.584C>A, p.Thr195Lys (NM_001352300.2); c.497C>A, p.Thr166Lys (NM_001352301.2); c.299C>A, p.Thr100Lys (NM_001352302.2); c.491C>A, p.Thr164Lys (NM_001352303.2); short protein forms T195K, T196K, T100K, T164K, T166K.
Identifiers: ClinVar variation 1750243 (VCV001750243.2), dbSNP rs531899091, ClinGen allele CA410692427.
Genomic context (GRCh38, chr22:19,915,218, plus strand): 5'-AAAGAGGCCGGGAATGGGCCACGGCAGCAGGGACGCTATGCTCTGGGGACACTCACGTGC[G>T]TGGGGTATCTCGGCCGCCCTCCAGTAGCAATGATGATGTGATCGGCTGACAGCAGAATCT-3'
Protein context (NP_006431.2, residues 186-206): IATGGRPRYP[Thr196Lys]HIEGALEYGI